The following is an entry in ClinVar:

ClinVar aggregate classification (germline): Benign (0 of 4 stars; one submission).

Conditions:
MIAT-related disorder. Also called: MIAT-related condition.

Allele frequency attached by ClinVar (database versions not stated): TOPMed 0.06277; 1000 Genomes Project 30x 0.06512; 1000 Genomes Project 0.06749; gnomAD 0.06849; gnomAD exomes 0.08657.
gnomAD v4.1: 31,757 of 398,646 alleles (8%); highest among the groups gnomAD compares: South Asian, 10%; 1,449 homozygotes.

Submission:

PreventionGenetics, part of Exact Sciences
Classification: Benign for MIAT-related condition. Last evaluated: 2019-09-24. Review status: no assertion criteria provided. Collection method: clinical testing. Allele origin: germline.
Comment: This variant is classified as benign based on ACMG/AMP sequence variant interpretation guidelines (Richards et al. 2015 PMID: 25741868, with internal and published modifications).

NR_033320.3(MIAT):n.1248G>A

Gene: MIAT (myocardial infarction associated transcript; plus strand). Cytogenetic location: 22q12.1.
Variant type: single nucleotide variant.
Molecular consequence: non-coding transcript variant (on NR_033320.3).
Genome position: GRCh38 VCF-style: chr22-26666628-G-A. GRCh37 (hg19) VCF-style: chr22-27062592-G-A.
Identifiers: ClinVar variation 3057049 (VCV003057049.2), dbSNP rs73163288, ClinGen allele CA16000583.
Genomic context (GRCh38, chr22:26,666,628, plus strand): 5'-CTATTCAGCTATCACCAAGCTGCTGAGTTTGTCCTACTTTCTCCTGGGTCACATTCTGCT[G>A]TTGTTGGGAAACAGGGAGTGAGTGAAGGGAACCTGGGAACCCTTCTCCCCTCACCTTTTA-3'